The following is an entry in ClinVar:

NM_024741.3(ZNF408):c.226T>A (p.Trp76Arg)

Gene: ZNF408 (zinc finger protein 408; plus strand). Cytogenetic location: 11p11.2.
Variant type: single nucleotide variant.
Coding change: c.226T>A on transcript NM_024741.3 (MANE Select); coding-DNA position 226, T replaced by A.
Protein change: p.Trp76Arg; replaces tryptophan 76 with arginine.
Molecular consequence: missense variant.
Genome position (GRCh38, 1-based): chr11:46,701,572, T>A. VCF-style: chr11-46701572-T-A. GRCh37 (hg19) VCF-style: chr11-46723122-T-A.
Other names: c.202T>A, p.Trp68Arg (NM_001184751.2); short protein forms W68R, W76R.
Identifiers: ClinVar variation 2852608 (VCV002852608.3), dbSNP rs1246892224, ClinGen allele CA380251771.

ClinVar aggregate classification (germline): Uncertain significance (1 of 4 stars; one submission).

Allele frequency attached by ClinVar (database versions not stated): gnomAD exomes below 0.00001; TOPMed below 0.00001; gnomAD 0.00001.
gnomAD v4.1: 2 of 1,613,112 alleles (0.00012%); highest among the groups gnomAD compares: Non-Finnish European, 0.00017%; no homozygotes.

Submission:

Labcorp Genetics (formerly Invitae), Labcorp
Classification: Uncertain significance. Last evaluated: 2023-04-12. Review status: criteria provided, single submitter. Criteria: Invitae Variant Classification Sherloc (09022015). Collection method: clinical testing. Allele origin: germline.
Comment: In summary, the available evidence is currently insufficient to determine the role of this variant in disease. Therefore, it has been classified as a Variant of Uncertain Significance. Algorithms developed to predict the effect of sequence changes on RNA splicing suggest that this variant may create or strengthen a splice site. An algorithm developed to predict the effect of missense changes on protein structure and function (PolyPhen-2) suggests that this variant is likely to be disruptive. This variant has not been reported in the literature in individuals affected with ZNF408-related conditions. This variant is not present in population databases (gnomAD no frequency). This sequence change replaces tryptophan, which is neutral and slightly polar, with arginine, which is basic and polar, at codon 76 of the ZNF408 protein (p.Trp76Arg).